The following is an entry in ClinVar:

NM_004168.4(SDHA):c.1027G>C (p.Val343Leu)

Gene: SDHA (succinate dehydrogenase complex flavoprotein subunit A; plus strand). Cytogenetic location: 5p15.33.
Variant type: single nucleotide variant.
Coding change: c.1027G>C on transcript NM_004168.4 (MANE Select); coding-DNA position 1027, G replaced by C.
Protein change: p.Val343Leu; replaces valine 343 with leucine.
Molecular consequence: missense variant.
Genome position (GRCh38, 1-based): chr5:233,608, G>C. VCF-style: chr5-233608-G-C. GRCh37 (hg19) VCF-style: chr5-233723-G-C.
Other names: c.883G>C, p.Val295Leu (NM_001294332.2); c.1027G>C, p.Val343Leu (NM_001330758.2); short protein forms V295L, V343L.
Identifiers: ClinVar variation 1412320 (VCV001412320.6), dbSNP rs2126578052, ClinGen allele CA359012912.

ClinVar aggregate classification (germline): Uncertain significance (1 of 4 stars; one submission).

Conditions:
Mitochondrial complex II deficiency, nuclear type 1. Also called: SUCCINATE CoQ REDUCTASE DEFICIENCY. Identifiers: Orphanet 3208, MedGen C5700310, MONDO:0100294, OMIM 252011.
Pheochromocytoma/paraganglioma syndrome 5. Also called: Paragangliomas 5; SDHA-Related Hereditary Paraganglioma-Pheochromocytoma Syndrome. Identifiers: Orphanet 29072, MedGen C3279992, MONDO:0013602, OMIM 614165.

Submission:

Labcorp Genetics (formerly Invitae), Labcorp
Classification: Uncertain significance for Pheochromocytoma/paraganglioma syndrome 5; Mitochondrial complex II deficiency, nuclear type 1. Last evaluated: 2023-10-03. Review status: criteria provided, single submitter. Criteria: Invitae Variant Classification Sherloc (09022015). Collection method: clinical testing. Allele origin: germline.
Comment: This sequence change replaces valine, which is neutral and non-polar, with leucine, which is neutral and non-polar, at codon 343 of the SDHA protein (p.Val343Leu). This variant is not present in population databases (gnomAD no frequency). This variant has not been reported in the literature in individuals affected with SDHA-related conditions. ClinVar contains an entry for this variant (Variation ID: 1412320). Advanced modeling of protein sequence and biophysical properties (such as structural, functional, and spatial information, amino acid conservation, physicochemical variation, residue mobility, and thermodynamic stability) performed at Invitae indicates that this missense variant is not expected to disrupt SDHA protein function. In summary, the available evidence is currently insufficient to determine the role of this variant in disease. Therefore, it has been classified as a Variant of Uncertain Significance.